The following is an entry in ClinVar:

ClinVar aggregate classification (germline): Uncertain significance (1 of 4 stars; one submission).

Allele frequency attached by ClinVar (database versions not stated): gnomAD exomes below 0.00001.
gnomAD v4.1: 1 of 1,612,920 alleles (0.000062%); highest among the groups gnomAD compares: Non-Finnish European, 0.000085%; no homozygotes.

Submission:

GeneDx
Classification: Uncertain significance. Last evaluated: 2023-08-16. Review status: criteria provided, single submitter. Criteria: GeneDx Variant Classification Process June 2021. Collection method: clinical testing. Allele origin: germline. Affected: yes.
Comment: Not observed at significant frequency in large population cohorts (gnomAD); In silico analysis supports that this missense variant has a deleterious effect on protein structure/function; Has not been previously published as pathogenic or benign to our knowledge

NM_005754.3(G3BP1):c.986A>G (p.Glu329Gly)

Gene: G3BP1 (G3BP stress granule assembly factor 1; plus strand). Cytogenetic location: 5q33.1.
Variant type: single nucleotide variant.
Coding change: c.986A>G on transcript NM_005754.3 (MANE Select); coding-DNA position 986, A replaced by G.
Protein change: p.Glu329Gly; replaces glutamic acid 329 with glycine.
Molecular consequence: missense variant.
Genome position (GRCh38, 1-based): chr5:151,800,248, A>G. VCF-style: chr5-151800248-A-G. GRCh37 (hg19) VCF-style: chr5-151179809-A-G.
Other names: c.986A>G, p.Glu329Gly (NM_198395.2); short protein forms E329G.
Identifiers: ClinVar variation 3253246 (VCV003253246.1), dbSNP rs2479869308.